The following is an entry in ClinVar:

ClinVar aggregate classification (germline): Benign (1 of 4 stars; one submission).

Allele frequency attached by ClinVar (database versions not stated): TOPMed 0.00002; gnomAD 0.00013; 1000 Genomes Project 30x 0.00047; 1000 Genomes Project 0.00060.
gnomAD v4.1: 26 of 398,394 alleles (0.0065%); highest among the groups gnomAD compares: South Asian, 0.33%; 1 homozygote.

Submission:

CeGaT Center for Human Genetics Tuebingen
Classification: Benign. Last evaluated: 2022-07-01. Review status: criteria provided, single submitter. Criteria: CeGaT Center For Human Genetics Tuebingen Variant Classification Criteria Version 2. Collection method: clinical testing. Allele origin: germline. Affected: yes. Observed: 1 variant allele.
Comment: KCNQ1OT1: BS1, BS2

NM_000218.3(KCNQ1):c.1394-29092G>T

Genes: KCNQ1 (potassium voltage-gated channel subfamily Q member 1; plus strand), KCNQ1OT1 (KCNQ1 opposite strand/antisense transcript 1; minus strand). Cytogenetic location: 11p15.5.
Variant type: single nucleotide variant.
Coding change: c.1394-29092G>T on transcript NM_000218.3 (MANE Select); 29092 bases into the intron before coding-DNA position 1394, G replaced by T.
Molecular consequence: intron variant. On other transcripts: non-coding transcript variant (1).
Genome position (GRCh38, 1-based): chr11:2,632,869, G>T. VCF-style: chr11-2632869-G-T. GRCh37 (hg19) VCF-style: chr11-2654099-G-T.
Other names: c.1124-29092G>T (NM_001406837.1); c.1298-29092G>T (NM_001406836.1); c.854-29092G>T (NM_001406838.1); c.1013-29092G>T (NM_181798.2).
Identifiers: ClinVar variation 2641404 (VCV002641404.24), dbSNP rs540121917, ClinGen allele CA216146692.
Genomic context (GRCh38, chr11:2,632,869, plus strand): 5'-TCTGCATCTGCTGATGGAGATTTAAGTTGATTCCATATCTTAACTGTTGTGAACAGTACT[G>T]CAATAAACATGAGAATGCAAATATCTTTTTTATATACTGATTTCCTTTCCTTTGAGTCAA-3'